The following is an entry in ClinVar:

NM_000179.3(MSH6):c.2609A>C (p.Lys870Thr)

Gene: MSH6 (mutS homolog 6; plus strand). Cytogenetic location: 2p16.3.
Variant type: single nucleotide variant.
Coding change: c.2609A>C on transcript NM_000179.3 (MANE Select); coding-DNA position 2609, A replaced by C.
Protein change: p.Lys870Thr; replaces lysine 870 with threonine.
Molecular consequence: missense variant. On other transcripts: non-coding transcript variant (5), intron variant (3).
Genome position (GRCh38, 1-based): chr2:47,800,592, A>C. VCF-style: chr2-47800592-A-C. GRCh37 (hg19) VCF-style: chr2-48027731-A-C.
Other names: c.2219A>C, p.Lys740Thr (NM_001281492.2); c.1703A>C, p.Lys568Thr (NM_001281493.2, NM_001281494.2, NM_001406811.1 and 6 more transcripts); c.2705A>C, p.Lys902Thr (NM_001406795.1, NM_001406802.1); c.2609A>C, p.Lys870Thr (NM_001406796.1, NM_001406798.1, NM_001406800.1 and 2 more transcripts); c.2312A>C, p.Lys771Thr (NM_001406797.1, NM_001406801.1, NM_001406805.1 and 10 more transcripts); c.2084A>C, p.Lys695Thr (NM_001406799.1, NM_001406806.1, NM_001406807.1); c.2531A>C, p.Lys844Thr (NM_001406804.1); c.2615A>C, p.Lys872Thr (NM_001406813.1); and 4 more; short protein forms K695T, K740T, K814T, K872T, K844T, K870T, K902T, K568T.
Identifiers: ClinVar variation 2964363 (VCV002964363.4), dbSNP rs2104414954, ClinGen allele CA346754973.

ClinVar aggregate classification (germline): Uncertain significance. Review status: criteria provided, multiple submitters, no conflicts (2 of 4 stars). 2 submissions from 2 submitters: Uncertain significance (2). Last evaluated 2024-08-28.

Conditions:
Hereditary cancer-predisposing syndrome. Also called: Tumor predisposition; Hereditary neoplastic syndrome; Hereditary Cancer Syndrome; Neoplastic Syndromes, Hereditary. Identifiers: Orphanet 140162, MedGen C0027672, MeSH D009386, MONDO:0015356.
Hereditary nonpolyposis colorectal neoplasms. Identifiers: MedGen C0009405, MeSH D003123.

Submissions (2):

Ambry Genetics
Classification: Uncertain significance for Hereditary cancer-predisposing syndrome. Last evaluated: 2024-08-28. Review status: criteria provided, single submitter. Criteria: Ambry Variant Classification Scheme 2023. Collection method: clinical testing. Allele origin: germline.

Labcorp Genetics (formerly Invitae), Labcorp
Classification: Uncertain significance for Hereditary nonpolyposis colorectal neoplasms. Last evaluated: 2023-03-02. Review status: criteria provided, single submitter. Criteria: Invitae Variant Classification Sherloc (09022015). Collection method: clinical testing. Allele origin: germline.
Comment: In summary, the available evidence is currently insufficient to determine the role of this variant in disease. Therefore, it has been classified as a Variant of Uncertain Significance. Advanced modeling of protein sequence and biophysical properties (such as structural, functional, and spatial information, amino acid conservation, physicochemical variation, residue mobility, and thermodynamic stability) performed at Invitae indicates that this missense variant is not expected to disrupt MSH6 protein function. This variant has not been reported in the literature in individuals affected with MSH6-related conditions. This variant is not present in population databases (gnomAD no frequency). This sequence change replaces lysine, which is basic and polar, with threonine, which is neutral and polar, at codon 870 of the MSH6 protein (p.Lys870Thr).